The following is an entry in ClinVar:

NM_006302.3(MOGS):c.1189G>A (p.Gly397Ser)

Gene: MOGS (mannosyl-oligosaccharide glucosidase; minus strand). Cytogenetic location: 2p13.1.
Variant type: single nucleotide variant.
Coding change: c.1189G>A on transcript NM_006302.3 (MANE Select); coding-DNA position 1189, G replaced by A.
Protein change: p.Gly397Ser; replaces glycine 397 with serine.
Molecular consequence: missense variant.
Genome position (GRCh38, 1-based): chr2:74,462,600, C>T on the plus strand (G>A on the coding strand, the complement: MOGS is on the minus strand). VCF-style: chr2-74462600-C-T. GRCh37 (hg19) VCF-style: chr2-74689727-C-T.
Other names: c.871G>A, p.Gly291Ser (NM_001146158.2); short protein forms G291S, G397S.
Identifiers: ClinVar variation 1024409 (VCV001024409.2), dbSNP rs376850183, ClinGen allele CA1724833.

ClinVar aggregate classification (germline): Uncertain significance (1 of 4 stars; one submission).

Conditions:
MOGS-congenital disorder of glycosylation. Also called: MOGS-CDG; CDG IIb; GLUCOSIDASE I DEFICIENCY; CDG 2B. Identifiers: Orphanet 79330, MedGen C1853736, MONDO:0011629, OMIM 606056.

Allele frequency attached by ClinVar (database versions not stated): ExAC 0.00002; gnomAD 0.00004; gnomAD exomes 0.00004; TOPMed 0.00006; ESP Exome Variant Server 0.00008.

Submission:

Labcorp Genetics (formerly Invitae), Labcorp
Classification: Uncertain significance for MOGS-congenital disorder of glycosylation. Last evaluated: 2022-01-02. Review status: criteria provided, single submitter. Criteria: Invitae Variant Classification Sherloc (09022015). Collection method: clinical testing. Allele origin: germline.
Comment: This sequence change replaces glycine, which is neutral and non-polar, with serine, which is neutral and polar, at codon 397 of the MOGS protein (p.Gly397Ser). This variant is present in population databases (rs376850183, gnomAD 0.007%). This variant has not been reported in the literature in individuals affected with MOGS-related conditions. ClinVar contains an entry for this variant (Variation ID: 1024409). Algorithms developed to predict the effect of missense changes on protein structure and function output the following: SIFT: "Tolerated"; PolyPhen-2: "Benign"; Align-GVGD: "Class C0". The serine amino acid residue is found in multiple mammalian species, which suggests that this missense change does not adversely affect protein function. In summary, the available evidence is currently insufficient to determine the role of this variant in disease. Therefore, it has been classified as a Variant of Uncertain Significance.